The following is an entry in ClinVar:

ClinVar aggregate classification (germline): Uncertain significance (1 of 4 stars; one submission).

Conditions:
Spastic paraplegia. Identifiers: MedGen C0037772, HP:0001258.

Submission:

Labcorp Genetics (formerly Invitae), Labcorp
Classification: Uncertain significance for Spastic paraplegia. Last evaluated: 2023-08-10. Review status: criteria provided, single submitter. Criteria: Invitae Variant Classification Sherloc (09022015). Collection method: clinical testing. Allele origin: germline.
Comment: In summary, the available evidence is currently insufficient to determine the role of this variant in disease. Therefore, it has been classified as a Variant of Uncertain Significance. Algorithms developed to predict the effect of missense changes on protein structure and function output the following: SIFT: "Not Available"; PolyPhen-2: "Benign"; Align-GVGD: "Not Available". The threonine amino acid residue is found in multiple mammalian species, which suggests that this missense change does not adversely affect protein function. This variant has not been reported in the literature in individuals affected with GJC2-related conditions. This variant is not present in population databases (gnomAD no frequency). This sequence change replaces proline, which is neutral and non-polar, with threonine, which is neutral and polar, at codon 138 of the GJC2 protein (p.Pro138Thr).

NM_020435.4(GJC2):c.412C>A (p.Pro138Thr)

Gene: GJC2 (gap junction protein gamma 2; plus strand). Cytogenetic location: 1q42.13.
Variant type: single nucleotide variant.
Coding change: c.412C>A on transcript NM_020435.4 (MANE Select); coding-DNA position 412, C replaced by A.
Protein change: p.Pro138Thr; replaces proline 138 with threonine.
Molecular consequence: missense variant.
Genome position (GRCh38, 1-based): chr1:228,158,170, C>A. VCF-style: chr1-228158170-C-A. GRCh37 (hg19) VCF-style: chr1-228345871-C-A.
Other names: short protein forms P138T.
Identifiers: ClinVar variation 2814752 (VCV002814752.3), dbSNP rs2034712429, ClinGen allele CA345097760.